The following is an entry in ClinVar:

NM_004655.4(AXIN2):c.2202del (p.Thr735fs)

Gene: AXIN2 (axin 2; minus strand). Cytogenetic location: 17q24.1.
Variant type: Deletion.
Coding change: c.2202del on transcript NM_004655.4 (MANE Select); coding-DNA position 2202, one base deleted (C; older notation c.2202delC).
Protein change: p.Thr735fs; shifts the reading frame from threonine 735.
Molecular consequence: frameshift variant.
Genome position (GRCh38, 1-based): chr17:65,535,661, G deleted on the plus strand (C on the coding strand, the reverse complement: AXIN2 is on the minus strand); the first of 2 consecutive G bases (chr17:65,535,661-65,535,662); deleting either gives the same sequence. VCF-style (leftmost placement, unchanged base first): chr17-65535660-TG-T. GRCh37 (hg19) VCF-style: chr17-63531778-TG-T.
Other names: c.2202delC (NM_004655.3); c.2007del, p.Thr670fs (NM_001363813.1); short protein forms T670fs, T735fs.
Identifiers: ClinVar variation 2451640 (VCV002451640.2), dbSNP rs2509396943, ClinGen allele CA2580094713.

ClinVar aggregate classification (germline): Pathogenic (1 of 4 stars; one submission).

Conditions:
Hereditary cancer-predisposing syndrome. Also called: Neoplastic Syndromes, Hereditary; Tumor predisposition; Hereditary neoplastic syndrome; Hereditary Cancer Syndrome. Identifiers: Orphanet 140162, MedGen C0027672, MeSH D009386, MONDO:0015356.

Submission:

Ambry Genetics
Classification: Pathogenic for Hereditary cancer-predisposing syndrome. Last evaluated: 2022-11-16. Review status: criteria provided, single submitter. Criteria: Ambry Variant Classification Scheme 2023. Collection method: clinical testing. Allele origin: germline.
Comment: The c.2202delC pathogenic mutation, located in coding exon 8 of the AXIN2 gene, results from a deletion of one nucleotide at nucleotide position 2202, causing a translational frameshift with a predicted alternate stop codon (p.T735Hfs*47). Based on internal structural analysis using published crystal structures, this alteration deletes or alters a region crucial to protein function (Kishida S et al. Mol. Cell. Biol., 1999 Jun;19:4414-22; Sakanaka C et al. J. Biol. Chem., 1999 May;274:14090-3; Julius MA et al. Biochem. Biophys. Res. Commun., 2000 Oct;276:1162-9; Fukui A et al. Dev. Growth Differ., 2000 Oct;42:489-98). This alteration is expected to result in loss of function by premature protein truncation or nonsense-mediated mRNA decay. As such, this alteration is interpreted as a disease-causing mutation.